The following is an entry in ClinVar:

NM_000204.5(CFI):c.1300G>A (p.Glu434Lys)

Gene: CFI (complement factor I; minus strand). Cytogenetic location: 4q25.
Variant type: single nucleotide variant.
Coding change: c.1300G>A on transcript NM_000204.5 (MANE Select); coding-DNA position 1300, G replaced by A.
Protein change: p.Glu434Lys; replaces glutamic acid 434 with lysine.
Molecular consequence: missense variant. On other transcripts: non-coding transcript variant (2).
Genome position (GRCh38, 1-based): chr4:109,746,351, C>T on the plus strand (G>A on the coding strand, the complement: CFI is on the minus strand). VCF-style: chr4-109746351-C-T. GRCh37 (hg19) VCF-style: chr4-110667507-C-T.
Other names: c.1324G>A, p.Glu442Lys (NM_001318057.2, NM_001375278.1); c.1279G>A, p.Glu427Lys (NM_001331035.2, NM_001375280.1, NM_001375282.1); c.1300G>A, p.Glu434Lys (NM_001375279.1, NM_001375281.1); c.1243G>A, p.Glu415Lys (NM_001375283.1); c.691G>A, p.Glu231Lys (NM_001375284.1); short protein forms E415K, E231K, E427K, E434K, E442K.
Identifiers: ClinVar variation 2797702 (VCV002797702.3), dbSNP rs2545376166, ClinGen allele CA357857027.

ClinVar aggregate classification (germline): Uncertain significance (1 of 4 stars; one submission).

Allele frequency attached by ClinVar (database versions not stated): gnomAD exomes 0.00001.
gnomAD v4.1: 9 of 1,614,082 alleles (0.00056%); highest among the groups gnomAD compares: Non-Finnish European, 0.00076%; no homozygotes.

Submission:

Labcorp Genetics (formerly Invitae), Labcorp
Classification: Uncertain significance. Last evaluated: 2023-06-06. Review status: criteria provided, single submitter. Criteria: Invitae Variant Classification Sherloc (09022015). Collection method: clinical testing. Allele origin: germline.
Comment: This variant has not been reported in the literature in individuals affected with CFI-related conditions. This sequence change replaces glutamic acid, which is acidic and polar, with lysine, which is basic and polar, at codon 434 of the CFI protein (p.Glu434Lys). This variant is not present in population databases (gnomAD no frequency). Advanced modeling of protein sequence and biophysical properties (such as structural, functional, and spatial information, amino acid conservation, physicochemical variation, residue mobility, and thermodynamic stability) performed at Invitae indicates that this missense variant is not expected to disrupt CFI protein function. In summary, the available evidence is currently insufficient to determine the role of this variant in disease. Therefore, it has been classified as a Variant of Uncertain Significance.